The following is an entry in ClinVar:

ClinVar aggregate classification (germline): Pathogenic. Review status: criteria provided, multiple submitters, no conflicts (2 of 4 stars). 2 submissions from 2 submitters: Pathogenic (2). Last evaluated 2019-05-08.

Submissions (2):

Labcorp Genetics (formerly Invitae), Labcorp
Classification: Pathogenic. Last evaluated: 2019-05-08. Review status: criteria provided, single submitter. Criteria: Invitae Variant Classification Sherloc (09022015). Collection method: clinical testing. Allele origin: germline.
Comment: This sequence change creates a premature translational stop signal (p.Tyr593*) in the PHEX gene. It is expected to result in an absent or disrupted protein product. This variant is not present in population databases (ExAC no frequency). This nonsense change has been observed in individuals affected with hypophosphatemic rickets (PMID: 19219621, 29460029). Loss-of-function variants in PHEX are known to be pathogenic (PMID: 9097956, 9106524, 19219621). For these reasons, this variant has been classified as Pathogenic.

GeneDx
Classification: Pathogenic. Last evaluated: 2019-02-04. Review status: criteria provided, single submitter. Criteria: GeneDx Variant Classification Process June 2021. Collection method: clinical testing. Allele origin: germline. Affected: yes.
Comment: Nonsense variant predicted to result in protein truncation or nonsense mediated decay in a gene for which loss-of-function is a known mechanism of disease; Not observed in large population cohorts (Lek et al., 2016); Has not been previously published as pathogenic or benign to our knowledge

Literature cited by the submitters: PubMed 19219621 (cited by Labcorp Genetics (formerly Invitae), Labcorp); PubMed 29460029 (cited by Labcorp Genetics (formerly Invitae), Labcorp); PubMed 9097956 (cited by Labcorp Genetics (formerly Invitae), Labcorp); PubMed 9106524 (cited by Labcorp Genetics (formerly Invitae), Labcorp).

NM_000444.6(PHEX):c.1779T>G (p.Tyr593Ter)

Genes: PHEX (phosphate regulating endopeptidase X-linked; plus strand), PTCHD1-AS (PTCHD1 and PHEX antisense RNA; minus strand). Cytogenetic location: Xp22.11.
Variant type: single nucleotide variant.
Coding change: c.1779T>G on transcript NM_000444.6 (MANE Select); coding-DNA position 1779, T replaced by G.
Protein change: p.Tyr593Ter; replaces tyrosine 593 with a stop codon.
Molecular consequence: nonsense.
Genome position (GRCh38, 1-based): chrX:22,221,623, T>G. VCF-style: chrX-22221623-T-G. GRCh37 (hg19) VCF-style: chrX-22239740-T-G.
Other names: c.1779T>G, p.Tyr593Ter (NM_001282754.2); short protein forms Y593*.
Identifiers: ClinVar variation 952926 (VCV000952926.11), dbSNP rs1935269189, ClinGen allele CA412573463.